The following is an entry in ClinVar:

ClinVar aggregate classification (germline): Pathogenic (1 of 4 stars; one submission).

Conditions:
Curry-Hall syndrome (WAD). Also called: WEYERS ACRODENTAL DYSOSTOSIS. Identifiers: Orphanet 952, MedGen C0457013, MONDO:0008673, OMIM 193530.
Ellis-van Creveld syndrome (EVC). Also called: EVC-Related Ellis-van Creveld Syndrome; EVC2-Related Ellis-van Creveld Syndrome; MESOECTODERMAL DYSPLASIA; Chondroectodermal dysplasia. Identifiers: Orphanet 289, MedGen C0013903, MONDO:0009162, OMIM 225500.

Submission:

Labcorp Genetics (formerly Invitae), Labcorp
Classification: Pathogenic for Curry-Hall syndrome; Ellis-van Creveld syndrome. Last evaluated: 2023-04-06. Review status: criteria provided, single submitter. Criteria: Invitae Variant Classification Sherloc (09022015). Collection method: clinical testing. Allele origin: germline.
Comment: This variant is not present in population databases (gnomAD no frequency). This variant has not been reported in the literature in individuals affected with EVC2-related conditions. For these reasons, this variant has been classified as Pathogenic. This sequence change creates a premature translational stop signal (p.Phe140Leufs*7) in the EVC2 gene. It is expected to result in an absent or disrupted protein product. Loss-of-function variants in EVC2 are known to be pathogenic (PMID: 17024374, 19810119, 19876929).

Literature cited by the submitters: PubMed 17024374; PubMed 19810119; PubMed 19876929.

NM_147127.5(EVC2):c.420del (p.Phe140fs)

Gene: EVC2 (EvC ciliary complex subunit 2; minus strand). Cytogenetic location: 4p16.2.
Variant type: Deletion.
Coding change: c.420del on transcript NM_147127.5 (MANE Select); coding-DNA position 420, one base deleted (T; older notation c.420delT).
Protein change: p.Phe140fs; shifts the reading frame from phenylalanine 140.
Molecular consequence: frameshift variant.
Genome position (GRCh38, 1-based): chr4:5,694,365, A deleted on the plus strand (T on the coding strand, the reverse complement: EVC2 is on the minus strand); the first of 3 consecutive A bases (chr4:5,694,365-5,694,367); deleting any one gives the same sequence. VCF-style (leftmost placement, unchanged base first): chr4-5694364-TA-T. GRCh37 (hg19) VCF-style: chr4-5696091-TA-T.
Other names: c.180del, p.Phe60fs (NM_001166136.2); short protein forms F140fs, F60fs.
Identifiers: ClinVar variation 2946170 (VCV002946170.3), dbSNP rs2474100327, ClinGen allele CA2740091147.